The following is an entry in ClinVar:

ClinVar aggregate classification (germline): Uncertain significance. Review status: criteria provided, multiple submitters, no conflicts (2 of 4 stars). 4 submissions from 4 submitters: Uncertain significance (4). Last evaluated 2024-09-04.

Conditions:
Hereditary spastic paraplegia 47. Also called: adaptor protein 4 (AP-4) deficiency syndrome; CEREBRAL PALSY, SPASTIC QUADRIPLEGIC, 5; Spastic paraplegia 47, autosomal recessive. Identifiers: Orphanet 280763, MedGen C3279738, MONDO:0013551, OMIM 614066.
Inborn genetic diseases. Identifiers: MedGen C0950123, MeSH D030342.

Allele frequency attached by ClinVar (database versions not stated): ExAC 0.00002; gnomAD exomes 0.00003; gnomAD 0.00007 and 0.00008; TOPMed 0.00007.
gnomAD v4.1: 205 of 1,614,088 alleles (0.013%); highest among the groups gnomAD compares: Non-Finnish European, 0.016%; no homozygotes.

Submissions (4):

Ambry Genetics
Classification: Uncertain significance for Inborn genetic diseases. Last evaluated: 2024-09-04. Review status: criteria provided, single submitter. Criteria: Ambry Variant Classification Scheme 2023. Collection method: clinical testing. Allele origin: germline.

Labcorp Genetics (formerly Invitae), Labcorp
Classification: Uncertain significance for Hereditary spastic paraplegia 47. Last evaluated: 2024-01-24. Review status: criteria provided, single submitter. Criteria: Invitae Variant Classification Sherloc (09022015). Collection method: clinical testing. Allele origin: germline.
Comment: This sequence change replaces proline, which is neutral and non-polar, with leucine, which is neutral and non-polar, at codon 622 of the AP4B1 protein (p.Pro622Leu). This variant is present in population databases (rs767679115, gnomAD 0.007%). This variant has not been reported in the literature in individuals affected with AP4B1-related conditions. ClinVar contains an entry for this variant (Variation ID: 1038811). Advanced modeling of protein sequence and biophysical properties (such as structural, functional, and spatial information, amino acid conservation, physicochemical variation, residue mobility, and thermodynamic stability) performed at Invitae indicates that this missense variant is not expected to disrupt AP4B1 protein function with a negative predictive value of 80%. In summary, the available evidence is currently insufficient to determine the role of this variant in disease. Therefore, it has been classified as a Variant of Uncertain Significance.

Genome-Nilou Lab
Classification: Uncertain significance for Hereditary spastic paraplegia 47. Last evaluated: 2023-04-11. Review status: criteria provided, single submitter. Criteria: ACMG Guidelines, 2015. Collection method: clinical testing. Allele origin: germline. Affected: no.

Mayo Clinic Laboratories, Mayo Clinic
Classification: Uncertain significance. Last evaluated: 2020-04-20. Review status: criteria provided, single submitter. Criteria: ACMG Guidelines, 2015. Collection method: clinical testing. Allele origin: germline. Observed: 1 variant allele.

NM_001253852.3(AP4B1):c.1865C>T (p.Pro622Leu)

Genes: AP4B1 (adaptor related protein complex 4 subunit beta 1; minus strand), AP4B1-AS1 (AP4B1 antisense RNA 1; plus strand). Cytogenetic location: 1p13.2.
Variant type: single nucleotide variant.
Coding change: c.1865C>T on transcript NM_001253852.3 (MANE Select); coding-DNA position 1865, C replaced by T.
Protein change: p.Pro622Leu; replaces proline 622 with leucine.
Molecular consequence: missense variant.
Genome position (GRCh38, 1-based): chr1:113,895,420, G>A on the plus strand (C>T on the coding strand, the complement: AP4B1 is on the minus strand). VCF-style: chr1-113895420-G-A. GRCh37 (hg19) VCF-style: chr1-114438042-G-A.
Other names: c.1568C>T, p.Pro523Leu (NM_001253853.3); c.1361C>T, p.Pro454Leu (NM_001308312.2); c.1865C>T, p.Pro622Leu (NM_006594.5); c.1865C>T (NM_006594.2); short protein forms P454L, P622L, P523L.
Identifiers: ClinVar variation 1038811 (VCV001038811.14), dbSNP rs767679115, ClinGen allele CA1015683.
Genomic context (GRCh38, chr1:113,895,420, plus strand): 5'-TGAGCAACTTTAAGGCTAAGCCAAGTTTTCTCAAAATAATCAGCAGTAAGCTGGCGATTG[G>A]GGACTAGCATGAGGGCTCCAGAATCAGGGAGTTCTTGTACCCTCTCCTTGTTCTCTTCAG-3'
Protein context (NP_001240781.1, residues 612-632): LPDSGALMLV[Pro622Leu]NRQLTADYFE